The following is an entry in ClinVar:

NM_014806.5(RUSC2):c.2174G>A (p.Cys725Tyr)

Gene: RUSC2 (RUN and SH3 domain containing 2; plus strand). Cytogenetic location: 9p13.3.
Variant type: single nucleotide variant.
Coding change: c.2174G>A on transcript NM_014806.5 (MANE Select); coding-DNA position 2174, G replaced by A.
Protein change: p.Cys725Tyr; replaces cysteine 725 with tyrosine.
Molecular consequence: missense variant. On other transcripts: 5 prime UTR variant (1), non-coding transcript variant (1).
Genome position (GRCh38, 1-based): chr9:35,555,219, G>A. VCF-style: chr9-35555219-G-A. GRCh37 (hg19) VCF-style: chr9-35555216-G-A.
Other names: c.2174G>A, p.Cys725Tyr (NM_001135999.2); c.-461G>A (NM_001330740.2); short protein forms C725Y.
Identifiers: ClinVar variation 2130445 (VCV002130445.4), dbSNP rs760927545, ClinGen allele CA5043819.

ClinVar aggregate classification (germline): Uncertain significance (1 of 4 stars; one submission).

Allele frequency attached by ClinVar (database versions not stated): gnomAD exomes below 0.00001; ExAC 0.00001; gnomAD 0.00001.
gnomAD v4.1: 8 of 1,612,882 alleles (0.0005%); highest among the groups gnomAD compares: East Asian, 0.0022%; no homozygotes.

Submission:

Labcorp Genetics (formerly Invitae), Labcorp
Classification: Uncertain significance. Last evaluated: 2022-04-25. Review status: criteria provided, single submitter. Criteria: Invitae Variant Classification Sherloc (09022015). Collection method: clinical testing. Allele origin: germline.
Comment: In summary, the available evidence is currently insufficient to determine the role of this variant in disease. Therefore, it has been classified as a Variant of Uncertain Significance. Algorithms developed to predict the effect of missense changes on protein structure and function are either unavailable or do not agree on the potential impact of this missense change (SIFT: "Tolerated"; PolyPhen-2: "Possibly Damaging"; Align-GVGD: "Class C0"). This variant has not been reported in the literature in individuals affected with RUSC2-related conditions. This variant is present in population databases (rs760927545, gnomAD 0.006%). This sequence change replaces cysteine, which is neutral and slightly polar, with tyrosine, which is neutral and polar, at codon 725 of the RUSC2 protein (p.Cys725Tyr).